The following is an entry in ClinVar:

ClinVar aggregate classification (germline): Pathogenic/Likely pathogenic. Review status: criteria provided, multiple submitters, no conflicts (2 of 4 stars). 3 submissions from 3 submitters: Pathogenic (1); Likely pathogenic (2). Last evaluated 2025-02-28.

Conditions:
TRPM1-related disorder. Also called: TRPM1-related condition.

Allele frequency attached by ClinVar (database versions not stated): ExAC 0.00001; gnomAD exomes 0.00001; gnomAD 0.00002; TOPMed 0.00003.
gnomAD v4.1: 23 of 1,614,054 alleles (0.0014%); highest among the groups gnomAD compares: Non-Finnish European, 0.0019%; no homozygotes.

Submissions (3):

Labcorp Genetics (formerly Invitae), Labcorp
Classification: Likely pathogenic. Last evaluated: 2025-02-28. Review status: criteria provided, single submitter. Criteria: Invitae Variant Classification Sherloc (09022015). Collection method: clinical testing. Allele origin: germline.
Comment: This sequence change affects a donor splice site in intron 17 of the TRPM1 gene. It is expected to disrupt RNA splicing. Variants that disrupt the donor or acceptor splice site typically lead to a loss of protein function (PMID: 16199547), and loss-of-function variants in TRPM1 are known to be pathogenic (PMID: 19896113, 19966281, 20300565). This variant is present in population databases (rs757917155, gnomAD 0.004%). Disruption of this splice site has been observed in individual(s) with clinical features of congenital stationary night blindness (PMID: 23714322). ClinVar contains an entry for this variant (Variation ID: 1033506). Algorithms developed to predict the effect of sequence changes on RNA splicing suggest that this variant may disrupt the consensus splice site. In summary, the currently available evidence indicates that the variant is pathogenic, but additional data are needed to prove that conclusively. Therefore, this variant has been classified as Likely Pathogenic.

GeneDx
Classification: Pathogenic. Last evaluated: 2024-07-05. Review status: criteria provided, single submitter. Criteria: GeneDx Variant Classification Process June 2021. Collection method: clinical testing. Allele origin: germline. Affected: yes.
Comment: Canonical splice site variant predicted to result in a null allele in a gene for which loss of function is a known mechanism of disease; Not observed at significant frequency in large population cohorts (gnomAD); This variant is associated with the following publications: (PMID: 23714322, 19896109)

Blueprint Genetics
Classification: Likely pathogenic for TRPM1-related disorders. Last evaluated: 2019-11-20. Review status: criteria provided, single submitter. Criteria: ACMG Guidelines, 2015. Collection method: clinical testing. Allele origin: germline. Affected: yes. Observed: 1 variant allele.

Literature cited by the submitters: PubMed 16199547 (cited by Labcorp Genetics (formerly Invitae), Labcorp); PubMed 19896113 (cited by Labcorp Genetics (formerly Invitae), Labcorp); PubMed 19966281 (cited by Labcorp Genetics (formerly Invitae), Labcorp); PubMed 20300565 (cited by Labcorp Genetics (formerly Invitae), Labcorp); PubMed 23714322 (cited by Labcorp Genetics (formerly Invitae), Labcorp).

NM_001252024.2(TRPM1):c.2316+1G>A

Gene: TRPM1 (transient receptor potential cation channel subfamily M member 1; minus strand). Cytogenetic location: 15q13.3.
Variant type: single nucleotide variant.
Coding change: c.2316+1G>A on transcript NM_001252024.2 (MANE Select); the canonical splice donor site of the intron after coding-DNA position 2316, G replaced by A.
Molecular consequence: splice donor variant.
Genome position (GRCh38, 1-based): chr15:31,040,117, C>T on the plus strand (G>A on the coding strand, the complement: TRPM1 is on the minus strand). VCF-style: chr15-31040117-C-T. GRCh37 (hg19) VCF-style: chr15-31332320-C-T.
Other names: c.2367+1G>A (NM_001252020.2); c.2250+1G>A (NM_002420.6).
Identifiers: ClinVar variation 1033506 (VCV001033506.12), dbSNP rs757917155, ClinGen allele CA7452265.
Genomic context (GRCh38, chr15:31,040,117, plus strand): 5'-GCCTGGCAGAGAGTCACTTGTCACTGTCACCCTGGCCCGCCTCGCAGCACGTTGCACGCA[C>T]CTTCAGGCCGGGGTTCTTCCGCATCCGCAGTCTTCCCATCCACATATCGGTCAGCAGCAT-3'